The following is an entry in ClinVar:

ClinVar aggregate classification (germline): Likely benign (1 of 4 stars; one submission).

Conditions:
Abortive cerebellar ataxia (BEHRS). Also called: Behr syndrome; OPTIC ATROPHY, INFANTILE HEREDITARY, WITH NEUROLOGIC ABNORMALITIES. Identifiers: Orphanet 1239, MedGen C0221061, MONDO:0008858, OMIM 210000.

gnomAD v4.1: 2 of 1,610,106 alleles (0.00012%); highest among the groups gnomAD compares: Non-Finnish European, 0.00017%; no homozygotes.

Submission:

Centre for Mendelian Genomics, University Medical Centre Ljubljana
Classification: Likely benign for Abortive cerebellar ataxia. Last evaluated: 2020-03-07. Review status: criteria provided, single submitter. Criteria: ACMG Guidelines, 2015. Collection method: clinical testing. Allele origin: unknown. Affected: yes.
Comment: This variant was classified as: Likely benign.

NM_130837.3(OPA1):c.2924A>G (p.Asp975Gly)

Gene: OPA1 (OPA1 mitochondrial dynamin like GTPase; plus strand). Cytogenetic location: 3q29.
Variant type: single nucleotide variant.
Coding change: c.2924A>G on transcript NM_130837.3 (MANE Select); coding-DNA position 2924, A replaced by G.
Protein change: p.Asp975Gly; replaces aspartic acid 975 with glycine.
Molecular consequence: missense variant.
Genome position (GRCh38, 1-based): chr3:193,667,221, A>G. VCF-style: chr3-193667221-A-G. GRCh37 (hg19) VCF-style: chr3-193385010-A-G.
Other names: c.2390A>G, p.Asp797Gly (NM_001354663.2); c.2387A>G, p.Asp796Gly (NM_001354664.2); c.2759A>G, p.Asp920Gly (NM_015560.3); c.2651A>G, p.Asp884Gly (NM_130831.3); c.2705A>G, p.Asp902Gly (NM_130832.3); c.2762A>G, p.Asp921Gly (NM_130833.3); c.2813A>G, p.Asp938Gly (NM_130834.3); c.2816A>G, p.Asp939Gly (NM_130835.3); and 1 more; short protein forms D884G, D920G, D921G, D796G, D902G, D939G, D797G, D938G.
Identifiers: ClinVar variation 931270 (VCV000931270.3), dbSNP rs1432160044, ClinGen allele CA355797442.
Genomic context (GRCh38, chr3:193,667,221, plus strand): 5'-TTTAAACAGTTAGGCGATTAGAGAAAAATGTTAAAGAGGTATTGGAAGATTTTGCTGAAG[A>G]TGGTGAGAAGAAGATTAAATTGCTTACTGGTAAACGCGTTCAACTGGCGGAAGACCTCAG-3'
Protein context (NP_570850.2, residues 965-985): VKEVLEDFAE[Asp975Gly]GEKKIKLLTG